The following is an entry in ClinVar:

NM_001939.3(DRP2):c.466G>T (p.Gly156Cys)

Gene: DRP2 (dystrophin related protein 2; plus strand). Cytogenetic location: Xq22.1.
Variant type: single nucleotide variant.
Coding change: c.466G>T on transcript NM_001939.3 (MANE Select); coding-DNA position 466, G replaced by T.
Protein change: p.Gly156Cys; replaces glycine 156 with cysteine.
Molecular consequence: missense variant.
Genome position (GRCh38, 1-based): chrX:101,239,008, G>T. VCF-style: chrX-101239008-G-T. GRCh37 (hg19) VCF-style: chrX-100493997-G-T.
Other names: c.232G>T, p.Gly78Cys (NM_001171184.2); short protein forms G78C, G156C.
Identifiers: ClinVar variation 2081340 (VCV002081340.4), dbSNP rs142882172, ClinGen allele CA10472081.

ClinVar aggregate classification (germline): Uncertain significance (1 of 4 stars; one submission).

Allele frequency attached by ClinVar (database versions not stated): ExAC 0.00001; gnomAD exomes 0.00001; gnomAD 0.00003; TOPMed 0.00003; ESP Exome Variant Server 0.00009.
gnomAD v4.1: 6 of 1,208,670 alleles (0.0005%); highest among the groups gnomAD compares: Non-Finnish European, 0.00067%; no homozygotes.

Submission:

Labcorp Genetics (formerly Invitae), Labcorp
Classification: Uncertain significance. Last evaluated: 2024-02-19. Review status: criteria provided, single submitter. Criteria: Invitae Variant Classification Sherloc (09022015). Collection method: clinical testing. Allele origin: germline.
Comment: This sequence change replaces glycine, which is neutral and non-polar, with cysteine, which is neutral and slightly polar, at codon 156 of the DRP2 protein (p.Gly156Cys). This variant is present in population databases (rs142882172, gnomAD 0.003%). This variant has not been reported in the literature in individuals affected with DRP2-related conditions. ClinVar contains an entry for this variant (Variation ID: 2081340). Advanced modeling of protein sequence and biophysical properties (such as structural, functional, and spatial information, amino acid conservation, physicochemical variation, residue mobility, and thermodynamic stability) performed at Invitae indicates that this missense variant is not expected to disrupt DRP2 protein function with a negative predictive value of 80%. In summary, the available evidence is currently insufficient to determine the role of this variant in disease. Therefore, it has been classified as a Variant of Uncertain Significance.